The following is an entry in ClinVar:

NM_000321.3(RB1):c.71C>A (p.Pro24Gln)

Gene: RB1 (RB transcriptional corepressor 1; plus strand). Cytogenetic location: 13q14.2.
Variant type: single nucleotide variant.
Coding change: c.71C>A on transcript NM_000321.3 (MANE Select); coding-DNA position 71, C replaced by A.
Protein change: p.Pro24Gln; replaces proline 24 with glutamine.
Molecular consequence: missense variant.
Genome position (GRCh38, 1-based): chr13:48,303,983, C>A. VCF-style: chr13-48303983-C-A. GRCh37 (hg19) VCF-style: chr13-48878119-C-A.
Other names: c.71C>A, p.Pro24Gln (NM_001407165.1, NM_001407166.1, NM_001407167.1); short protein forms P24Q.
Identifiers: ClinVar variation 1757644 (VCV001757644.2), dbSNP rs1285455572, ClinGen allele CA388250266.
Genomic context (GRCh38, chr13:48,303,983, plus strand): 5'-AAACCCCCCGAAAAACGGCCGCCACCGCCGCCGCTGCCGCCGCGGAACCCCCGGCACCGC[C>A]GCCGCCGCCCCCTCCTGAGGAGGACCCAGAGCAGGACAGCGGCCCGGAGGACCTGCCTCT-3'
Protein context (NP_000312.2, residues 14-34): AAAAAEPPAP[Pro24Gln]PPPPPEEDPE

ClinVar aggregate classification (germline): Uncertain significance (1 of 4 stars; one submission).

Conditions:
Hereditary cancer-predisposing syndrome. Also called: Neoplastic Syndromes, Hereditary; Tumor predisposition; Hereditary Cancer Syndrome; Hereditary neoplastic syndrome. Identifiers: Orphanet 140162, MedGen C0027672, MeSH D009386, MONDO:0015356.

Submission:

Ambry Genetics
Classification: Uncertain significance for Hereditary cancer-predisposing syndrome. Last evaluated: 2022-10-04. Review status: criteria provided, single submitter. Criteria: Ambry Variant Classification Scheme 2023. Collection method: clinical testing. Allele origin: germline.
Comment: The p.P24Q variant (also known as c.71C>A), located in coding exon 1 of the RB1 gene, results from a C to A substitution at nucleotide position 71. The proline at codon 24 is replaced by glutamine, an amino acid with similar properties. This amino acid position is conserved. In addition, the in silico prediction for this alteration is inconclusive. Since supporting evidence is limited at this time, the clinical significance of this alteration remains unclear.